The following is an entry in ClinVar:

NM_001145809.2(MYH14):c.2681G>A (p.Arg894Gln)

Gene: MYH14 (myosin heavy chain 14; plus strand). Cytogenetic location: 19q13.33.
Variant type: single nucleotide variant.
Coding change: c.2681G>A on transcript NM_001145809.2 (MANE Select); coding-DNA position 2681, G replaced by A.
Protein change: p.Arg894Gln; replaces arginine 894 with glutamine.
Molecular consequence: missense variant.
Genome position (GRCh38, 1-based): chr19:50,263,407, G>A. VCF-style: chr19-50263407-G-A. GRCh37 (hg19) VCF-style: chr19-50766664-G-A.
Other names: c.2582G>A, p.Arg861Gln (NM_001077186.2); c.2558G>A, p.Arg853Gln (NM_024729.4); c.2558G>A (NM_024729.3); short protein forms R853Q, R861Q, R894Q.
Identifiers: ClinVar variation 2628759 (VCV002628759.15), dbSNP rs760426191, ClinGen allele CA9593028.
Genomic context (GRCh38, chr19:50,263,407, plus strand): 5'-TGAGGGTGATGCAGCGGAACTGCGCGGCCTACCTCAAGCTGAGACACTGGCAGTGGTGGC[G>A]GCTGTTTACCAAGGTGAGGGCAGCCTGGGGAGGTGGCCCCAGTAGGGAGAGGATAGGGCC-3'
Protein context (NP_001139281.1, residues 884-904): YLKLRHWQWW[Arg894Gln]LFTKVKPLLQ

ClinVar aggregate classification (germline): Uncertain significance. Review status: criteria provided, multiple submitters, no conflicts (2 of 4 stars). 3 submissions from 3 submitters: Uncertain significance (3). Last evaluated 2025-10-24.

Conditions:
Inborn genetic diseases. Identifiers: MedGen C0950123, MeSH D030342.
MYH14-related disorder. Also called: MYH14-related condition.

Allele frequency attached by ClinVar (database versions not stated): TOPMed 0.00001; gnomAD 0.00003.
gnomAD v4.1: 29 of 1,601,022 alleles (0.0018%); highest among the groups gnomAD compares: East Asian, 0.0023%; no homozygotes.

Submissions (3):

Ambry Genetics
Classification: Uncertain significance for Inborn genetic diseases. Last evaluated: 2025-10-24. Review status: criteria provided, single submitter. Criteria: Ambry Variant Classification Scheme 2023. Collection method: clinical testing. Allele origin: germline.

CeGaT Center for Human Genetics Tuebingen
Classification: Uncertain significance. Last evaluated: 2024-10-01. Review status: criteria provided, single submitter. Criteria: CeGaT Center For Human Genetics Tuebingen Variant Classification Criteria Version 2. Collection method: clinical testing. Allele origin: germline. Affected: yes. Observed: 1 variant allele.

PreventionGenetics, part of Exact Sciences
Classification: Uncertain significance for MYH14-related condition. Last evaluated: 2022-09-28. Review status: criteria provided, single submitter. Criteria: ACMG Guidelines, 2015. Collection method: clinical testing. Allele origin: germline.
Comment: The MYH14 c.2681G>A variant is predicted to result in the amino acid substitution p.Arg894Gln. To our knowledge, this variant has not been reported in the literature. This variant is reported in 0.0035% of alleles in individuals of European (Non-Finnish) descent in gnomAD. At this time, the clinical significance of this variant is uncertain due to the absence of conclusive functional and genetic evidence.